The following is an entry in ClinVar:

NM_017433.5(MYO3A):c.1171-1G>A

Gene: MYO3A (myosin IIIA; plus strand). Cytogenetic location: 10p12.1.
Variant type: single nucleotide variant.
Coding change: c.1171-1G>A on transcript NM_017433.5 (MANE Select); the canonical splice acceptor site of the intron before coding-DNA position 1171, G replaced by A.
Molecular consequence: splice acceptor variant.
Genome position (GRCh38, 1-based): chr10:26,070,110, G>A. VCF-style: chr10-26070110-G-A. GRCh37 (hg19) VCF-style: chr10-26359039-G-A.
Identifiers: ClinVar variation 3903287 (VCV003903287.1).
Genomic context (GRCh38, chr10:26,070,110, plus strand): 5'-ATAATTCAGGACTTAAATAAAAACAAAAAGCCCTACAAAATGTATTCTTTTTAACCTTTA[G>A]CATTCCAAACTATATATTGGATCAAAGAGAACTGCCAGTCCTCCTCACATTTTTGCAATG-3'

ClinVar aggregate classification (germline): Uncertain significance (1 of 4 stars; one submission).

gnomAD v4.1: 2 of 1,600,038 alleles (0.00012%); highest among the groups gnomAD compares: East Asian, 0.0022%; no homozygotes.

Submission:

GeneDx
Classification: Uncertain significance. Last evaluated: 2024-12-10. Review status: criteria provided, single submitter. Criteria: GeneDx Variant Classification Process June 2021. Collection method: clinical testing. Allele origin: germline. Affected: yes.
Comment: Canonical splice site variant predicted to result in an in-frame loss of the adjacent exon in a gene for which loss of function is a known mechanism of disease; Has not been previously published as pathogenic or benign to our knowledge